The following is an entry in ClinVar:

NM_024529.5(CDC73):c.1396C>A (p.Pro466Thr)

Gene: CDC73 (cell division cycle 73; plus strand). Cytogenetic location: 1q31.2.
Variant type: single nucleotide variant.
Coding change: c.1396C>A on transcript NM_024529.5 (MANE Select); coding-DNA position 1396, C replaced by A.
Protein change: p.Pro466Thr; replaces proline 466 with threonine.
Molecular consequence: missense variant.
Genome position (GRCh38, 1-based): chr1:193,236,335, C>A. VCF-style: chr1-193236335-C-A. GRCh37 (hg19) VCF-style: chr1-193205465-C-A.
Other names: short protein forms P466T.
Identifiers: ClinVar variation 2730728 (VCV002730728.4), dbSNP rs760028950, ClinGen allele CA344078269.

ClinVar aggregate classification (germline): Uncertain significance. Review status: criteria provided, multiple submitters, no conflicts (2 of 4 stars). 2 submissions from 2 submitters: Uncertain significance (2). Last evaluated 2025-06-16.

Conditions:
Hereditary cancer-predisposing syndrome. Also called: Hereditary Cancer Syndrome; Tumor predisposition; Neoplastic Syndromes, Hereditary; Hereditary neoplastic syndrome. Identifiers: Orphanet 140162, MedGen C0027672, MeSH D009386, MONDO:0015356.
Parathyroid carcinoma (PRTC). Also called: CDC73-Related Parathyroid Carcinoma; Parathyroid gland carcinoma. Identifiers: Orphanet 143, MedGen C0687150, MONDO:0012004, OMIM 608266, HP:0006780.

Submissions (2):

Labcorp Genetics (formerly Invitae), Labcorp
Classification: Uncertain significance for Parathyroid carcinoma. Last evaluated: 2025-06-16. Review status: criteria provided, single submitter. Criteria: Invitae Variant Classification Sherloc (09022015). Collection method: clinical testing. Allele origin: germline.
Comment: This sequence change replaces proline, which is neutral and non-polar, with threonine, which is neutral and polar, at codon 466 of the CDC73 protein (p.Pro466Thr). This variant is not present in population databases (gnomAD no frequency). This variant has not been reported in the literature in individuals affected with CDC73-related conditions. ClinVar contains an entry for this variant (Variation ID: 2730728). Invitae Evidence Modeling of protein sequence and biophysical properties (such as structural, functional, and spatial information, amino acid conservation, physicochemical variation, residue mobility, and thermodynamic stability) indicates that this missense variant is expected to disrupt CDC73 protein function with a positive predictive value of 80%. In summary, the available evidence is currently insufficient to determine the role of this variant in disease. Therefore, it has been classified as a Variant of Uncertain Significance.

Ambry Genetics
Classification: Uncertain significance for Hereditary cancer-predisposing syndrome. Last evaluated: 2025-01-06. Review status: criteria provided, single submitter. Criteria: Ambry Variant Classification Scheme 2023. Collection method: clinical testing. Allele origin: germline.
Comment: The p.P466T variant (also known as c.1396C>A), located in coding exon 15 of the CDC73 gene, results from a C to A substitution at nucleotide position 1396. The proline at codon 466 is replaced by threonine, an amino acid with highly similar properties. This amino acid position is conserved. In addition, this alteration is predicted to be deleterious by in silico analysis. Based on the available evidence, the clinical significance of this variant remains unclear.